The following is an entry in ClinVar:

ClinVar aggregate classification (germline): Likely benign. Review status: criteria provided, single submitter (1 of 4 stars). 2 submissions from 2 submitters: Likely benign (1). 1 of the submissions does not count toward it. Last evaluated 2025-12-28.

Conditions:
SLC22A12-related disorder. Also called: SLC22A12-related condition.

Allele frequency attached by ClinVar (database versions not stated): ExAC 0.00005.

Submissions (2):

Labcorp Genetics (formerly Invitae), Labcorp
Classification: Likely benign. Last evaluated: 2025-12-28. Review status: criteria provided, single submitter. Criteria: Invitae Variant Classification Sherloc (09022015). Collection method: clinical testing. Allele origin: germline.

PreventionGenetics, part of Exact Sciences
Classification: Likely benign for SLC22A12-related condition. Last evaluated: 2019-02-22. Review status: no assertion criteria provided. Collection method: clinical testing. Allele origin: germline. Not counted in ClinVar's aggregate classification.
Comment: This variant is classified as likely benign based on ACMG/AMP sequence variant interpretation guidelines (Richards et al. 2015 PMID: 25741868, with internal and published modifications).

NM_144585.4(SLC22A12):c.174G>A (p.Thr58=)

Gene: SLC22A12 (solute carrier family 22 member 12; plus strand). Cytogenetic location: 11q13.1.
Variant type: single nucleotide variant.
Coding change: c.174G>A on transcript NM_144585.4 (MANE Select); coding-DNA position 174, G replaced by A.
Protein change: p.Thr58=; no amino-acid change (threonine 58 retained).
Molecular consequence: synonymous variant. On other transcripts: 5 prime UTR variant (1).
Genome position (GRCh38, 1-based): chr11:64,591,730, G>A. VCF-style: chr11-64591730-G-A. GRCh37 (hg19) VCF-style: chr11-64359202-G-A.
Other names: c.174G>A, p.Thr58= (NM_001276326.2, NM_001276327.2); c.-335G>A (NM_153378.3).
Identifiers: ClinVar variation 3047884 (VCV003047884.3), dbSNP rs766979331, ClinGen allele CA6076992.